The following is an entry in ClinVar:

ClinVar aggregate classification (germline): Conflicting classifications of pathogenicity. Review status: criteria provided, conflicting classifications (1 of 4 stars). 4 submissions from 4 submitters: Uncertain significance (2); Likely benign (2). Last evaluated 2025-12-30.

Conditions:
Intellectual disability, autosomal dominant 16 (CSS4). Also called: COFFIN-SIRIS SYNDROME 4. Identifiers: Orphanet 1465, MedGen C3553249, MONDO:0013821, OMIM 614609.
Hereditary cancer-predisposing syndrome. Also called: Tumor predisposition; Hereditary Cancer Syndrome; Neoplastic Syndromes, Hereditary; Hereditary neoplastic syndrome. Identifiers: Orphanet 140162, MedGen C0027672, MeSH D009386, MONDO:0015356.
Rhabdoid tumor predisposition syndrome 2 (RTPS2). Identifiers: Orphanet 231108, Orphanet 69077, MedGen C2750074, MONDO:0013224, OMIM 613325.

Allele frequency attached by ClinVar (database versions not stated): ExAC 0.00001; TOPMed 0.00001; gnomAD exomes 0.00002.
gnomAD v4.1: 5 of 1,613,994 alleles (0.00031%); highest among the groups gnomAD compares: Admixed American, 0.0067%; no homozygotes.

Submissions (4):

Labcorp Genetics (formerly Invitae), Labcorp
Classification: Likely benign for Rhabdoid tumor predisposition syndrome 2. Last evaluated: 2025-12-30. Review status: criteria provided, single submitter. Criteria: Invitae Variant Classification Sherloc (09022015). Collection method: clinical testing. Allele origin: germline.

Ambry Genetics
Classification: Likely benign for Hereditary cancer-predisposing syndrome. Last evaluated: 2024-01-24. Review status: criteria provided, single submitter. Criteria: Ambry Variant Classification Scheme 2023. Collection method: clinical testing. Allele origin: germline.

Quest Diagnostics Nichols Institute San Juan Capistrano
Classification: Uncertain significance. Last evaluated: 2023-09-18. Review status: criteria provided, single submitter. Criteria: Quest Diagnostics criteria. Collection method: clinical testing. Allele origin: unknown.
Comment: To the best of our knowledge, this variant has not been reported in the published literature. The frequency of this variant in the general population, 0.000087 (3/34592 chromosomes (Genome Aggregation Database)), is uninformative in the assessment of its pathogenicity. Analysis of this variant using software algorithms for the prediction of the effect of nucleotide changes on splicing yielded predictions that this variant does not affect SMARCA4 mRNA splicing . Based on the available information, we are unable to determine the clinical significance of this variant.

Genome-Nilou Lab
Classification: Uncertain significance for Intellectual disability, autosomal dominant 16. Last evaluated: 2021-07-15. Review status: criteria provided, single submitter. Criteria: ACMG Guidelines, 2015. Collection method: clinical testing. Allele origin: germline. Affected: no.

Literature cited by the submitters: PubMed 28518168 (cited by Ambry Genetics); PubMed 32461654 (cited by Ambry Genetics).

NM_003072.5(SMARCA4):c.1119-3C>T

Gene: SMARCA4 (SWI/SNF related BAF chromatin remodeling complex subunit ATPase 4; plus strand). Cytogenetic location: 19p13.2.
Variant type: single nucleotide variant.
Coding change: c.1119-3C>T on transcript NM_003072.5 (MANE Select); 3 bases into the intron before coding-DNA position 1119, C replaced by T.
Molecular consequence: intron variant.
Genome position (GRCh38, 1-based): chr19:10,989,314, C>T. VCF-style: chr19-10989314-C-T. GRCh37 (hg19) VCF-style: chr19-11099990-C-T.
Other names: c.1119-3C>T (NM_001128844.3, NM_001128849.3, NM_001128847.4 and 4 more transcripts).
Identifiers: ClinVar variation 822216 (VCV000822216.15), dbSNP rs747149353, ClinGen allele CA9203702.